The following is an entry in ClinVar:

ClinVar aggregate classification (germline): Likely pathogenic (1 of 4 stars; one submission).

Allele frequency attached by ClinVar (database versions not stated): gnomAD exomes below 0.00001.
gnomAD v4.1: 1 of 1,613,332 alleles (0.000062%); highest among the groups gnomAD compares: Non-Finnish European, 0.000085%; no homozygotes.

Submission:

Greenwood Genetic Center Diagnostic Laboratories, Greenwood Genetic Center
Classification: Likely pathogenic. Last evaluated: 2021-01-28. Review status: criteria provided, single submitter. Criteria: ACMG Guidelines, 2015. Collection method: clinical testing. Allele origin: germline. Affected: yes.
Comment: PVS1, PM2

NM_005559.4(LAMA1):c.5965C>T (p.Gln1989Ter)

Gene: LAMA1 (laminin subunit alpha 1; minus strand). Cytogenetic location: 18p11.31.
Variant type: single nucleotide variant.
Coding change: c.5965C>T on transcript NM_005559.4 (MANE Select); coding-DNA position 5965, C replaced by T.
Protein change: p.Gln1989Ter; replaces glutamine 1989 with a stop codon.
Molecular consequence: nonsense.
Genome position (GRCh38, 1-based): chr18:6,980,563, G>A on the plus strand (C>T on the coding strand, the complement: LAMA1 is on the minus strand). VCF-style: chr18-6980563-G-A. GRCh37 (hg19) VCF-style: chr18-6980562-G-A.
Other names: short protein forms Q1989*.
Identifiers: ClinVar variation 1331666 (VCV001331666.4), dbSNP rs2144047886, ClinGen allele CA401834260.